The following is an entry in ClinVar:

NM_000487.6(ARSA):c.953C>T (p.Ala318Val)

Gene: ARSA (arylsulfatase A; minus strand). Cytogenetic location: 22q13.33.
Variant type: single nucleotide variant.
Coding change: c.953C>T on transcript NM_000487.6 (MANE Select); coding-DNA position 953, C replaced by T.
Protein change: p.Ala318Val; replaces alanine 318 with valine.
Molecular consequence: missense variant.
Genome position (GRCh38, 1-based): chr22:50,626,180, G>A on the plus strand (C>T on the coding strand, the complement: ARSA is on the minus strand). VCF-style: chr22-50626180-G-A. GRCh37 (hg19) VCF-style: chr22-51064608-G-A.
Other names: c.953C>T, p.Ala318Val (NM_001085425.3, NM_001085426.3, NM_001085427.3); c.695C>T, p.Ala232Val (NM_001085428.3, NM_001362782.2); short protein forms A232V, A318V.
Identifiers: ClinVar variation 1460504 (VCV001460504.5), dbSNP rs997702399, ClinGen allele CA325531333.

ClinVar aggregate classification (germline): Uncertain significance (1 of 4 stars; one submission).

Conditions:
Metachromatic leukodystrophy (MLD). Also called: Arylsulfatase A Deficiency; Cerebral sclerosis diffuse metachromatic form; METACHROMATIC LEUKOENCEPHALOPATHY; SULFATIDE LIPIDOSIS; ARSA DEFICIENCY; CEREBROSIDE SULFATASE DEFICIENCY. Identifiers: Orphanet 512, MedGen C0023522, MONDO:0018868, OMIM 250100.

Allele frequency attached by ClinVar (database versions not stated): TOPMed below 0.00001; gnomAD exomes 0.00001.
gnomAD v4.1: 10 of 1,608,198 alleles (0.00062%); highest among the groups gnomAD compares: Non-Finnish European, 0.00085%; no homozygotes.

Submission:

Labcorp Genetics (formerly Invitae), Labcorp
Classification: Uncertain significance for Metachromatic leukodystrophy. Last evaluated: 2021-08-27. Review status: criteria provided, single submitter. Criteria: Invitae Variant Classification Sherloc (09022015). Collection method: clinical testing. Allele origin: germline.
Comment: This sequence change replaces alanine with valine at codon 318 of the ARSA protein (p.Ala318Val). The alanine residue is moderately conserved and there is a small physicochemical difference between alanine and valine. This variant is not present in population databases (ExAC no frequency). This variant has not been reported in the literature in individuals affected with ARSA-related conditions. Algorithms developed to predict the effect of missense changes on protein structure and function output the following: SIFT: "Tolerated"; PolyPhen-2: "Benign"; Align-GVGD: "Class C0". The valine amino acid residue is found in multiple mammalian species, which suggests that this missense change does not adversely affect protein function. In summary, the available evidence is currently insufficient to determine the role of this variant in disease. Therefore, it has been classified as a Variant of Uncertain Significance.